The following is an entry in ClinVar:

ClinVar aggregate classification (germline): Uncertain significance (1 of 4 stars; one submission).

Submission:

GeneDx
Classification: Uncertain significance. Last evaluated: 2025-02-26. Review status: criteria provided, single submitter. Criteria: GeneDx Variant Classification Process June 2021. Collection method: clinical testing. Allele origin: germline. Affected: yes.
Comment: In silico analysis indicates that this missense variant does not alter protein structure/function; Has not been previously published as pathogenic or benign to our knowledge; Not observed at significant frequency in large population cohorts (gnomAD)

NM_004187.5(KDM5C):c.3272A>G (p.Lys1091Arg)

Gene: KDM5C (lysine demethylase 5C; minus strand). Cytogenetic location: Xp11.22.
Variant type: single nucleotide variant.
Coding change: c.3272A>G on transcript NM_004187.5 (MANE Select); coding-DNA position 3272, A replaced by G.
Protein change: p.Lys1091Arg; replaces lysine 1091 with arginine.
Molecular consequence: missense variant. On other transcripts: non-coding transcript variant (3).
Genome position (GRCh38, 1-based): chrX:53,195,259, T>C on the plus strand (A>G on the coding strand, the complement: KDM5C is on the minus strand). VCF-style: chrX-53195259-T-C. GRCh37 (hg19) VCF-style: chrX-53224441-T-C.
Other names: c.3071A>G, p.Lys1024Arg (NM_001146702.2); c.3269A>G, p.Lys1090Arg (NM_001282622.3, NM_001353979.2, NM_001353982.2); c.3272A>G, p.Lys1091Arg (NM_001353978.3, NM_001353981.2, NM_001353984.2); short protein forms K1024R, K1090R, K1091R.
Identifiers: ClinVar variation 4077319 (VCV004077319.1).